The following is an entry in ClinVar:

ClinVar aggregate classification (germline): Pathogenic (1 of 4 stars; one submission).

Submission:

Labcorp Genetics (formerly Invitae), Labcorp
Classification: Pathogenic. Last evaluated: 2023-10-02. Review status: criteria provided, single submitter. Criteria: Invitae Variant Classification Sherloc (09022015). Collection method: clinical testing. Allele origin: germline.
Comment: This sequence change creates a premature translational stop signal (p.Asp598Phefs*2) in the CEP152 gene. It is expected to result in an absent or disrupted protein product. Loss-of-function variants in CEP152 are known to be pathogenic (PMID: 21131973). This variant is not present in population databases (gnomAD no frequency). This variant has not been reported in the literature in individuals affected with CEP152-related conditions. For these reasons, this variant has been classified as Pathogenic.

Literature cited by the submitters: PubMed 21131973.

NM_001194998.2(CEP152):c.1791_1796delinsCTTTTAATATTCAGACTAAAACTAAAATAAT (p.Asp598_Thr599delinsPheTer)

Gene: CEP152 (centrosomal protein 152; minus strand). Cytogenetic location: 15q21.1.
Variant type: Indel.
Coding change: c.1791_1796delinsCTTTTAATATTCAGACTAAAACTAAAATAAT on transcript NM_001194998.2 (MANE Select); coding-DNA positions 1791 to 1796, the reference bases replaced by an inserted sequence.
Protein change: p.Asp598_Thr599delinsPheTer.
Molecular consequence: nonsense.
Genome position (GRCh38, 1-based): chr15:48,769,068-48,769,073, 6 bases replaced. GRCh37 (hg19): chr15:49,061,265-49,061,270.
Other names: c.1791_1796delinsCTTTTAATATTCAGACTAAAACTAAAATAAT, p.Asp598_Thr599delinsPheTer (NM_014985.4).
Identifiers: ClinVar variation 2764801 (VCV002764801.3), dbSNP rs2504721465, ClinGen allele CA2697549078.